The following is an entry in ClinVar:

ClinVar aggregate classification (germline): Uncertain significance (1 of 4 stars; one submission).

Conditions:
Cystic fibrosis (CF). Also called: MUCOVISCIDOSIS. Identifiers: Orphanet 586, MedGen C0010674, MONDO:0009061, OMIM 219700. Disease mechanism: loss of function.

gnomAD v4.1: 1 of 1,614,144 alleles (0.000062%); highest among the groups gnomAD compares: Non-Finnish European, 0.000085%; no homozygotes.

Submission:

Ambry Genetics
Classification: Uncertain significance for Cystic fibrosis. Last evaluated: 2026-07-22. Review status: criteria provided, single submitter. Criteria: Ambry Variant Classification Scheme 2023. Collection method: clinical testing. Allele origin: germline.
Comment: The p.L320S variant (also known as c.959T>C), located in coding exon 8 of the CFTR gene, results from a T to C substitution at nucleotide position 959. The leucine at codon 320 is replaced by serine, an amino acid with dissimilar properties. This amino acid position is not well conserved in available vertebrate species. In addition, the in silico prediction for this alteration is inconclusive. Based on the available evidence, the clinical significance of this variant remains unclear.

NM_000492.4(CFTR):c.959T>C (p.Leu320Ser)

Gene: CFTR (CF transmembrane conductance regulator; plus strand). Cytogenetic location: 7q31.2.
Variant type: single nucleotide variant.
Coding change: c.959T>C on transcript NM_000492.4 (MANE Select); coding-DNA position 959, T replaced by C.
Protein change: p.Leu320Ser; replaces leucine 320 with serine.
Molecular consequence: missense variant.
Genome position (GRCh38, 1-based): chr7:117,540,189, T>C. VCF-style: chr7-117540189-T-C. GRCh37 (hg19) VCF-style: chr7-117180243-T-C.
Other names: short protein forms L320S.
Identifiers: ClinVar variation 5034420 (VCV005034420.1).